The following is an entry in ClinVar:

ClinVar aggregate classification (germline): Uncertain significance (1 of 4 stars; one submission).

gnomAD v4.1: 5 of 1,614,156 alleles (0.00031%); highest among the groups gnomAD compares: Admixed American, 0.0067%; no homozygotes.

Submission:

Labcorp Genetics (formerly Invitae), Labcorp
Classification: Uncertain significance. Last evaluated: 2024-06-16. Review status: criteria provided, single submitter. Criteria: Invitae Variant Classification Sherloc (09022015). Collection method: clinical testing. Allele origin: germline.
Comment: This sequence change replaces proline, which is neutral and non-polar, with serine, which is neutral and polar, at codon 204 of the VSX1 protein (p.Pro204Ser). This variant is present in population databases (no rsID available, gnomAD 0.009%). This variant has not been reported in the literature in individuals affected with VSX1-related conditions. Advanced modeling of protein sequence and biophysical properties (such as structural, functional, and spatial information, amino acid conservation, physicochemical variation, residue mobility, and thermodynamic stability) performed at Invitae indicates that this missense variant is expected to disrupt VSX1 protein function with a positive predictive value of 80%. In summary, the available evidence is currently insufficient to determine the role of this variant in disease. Therefore, it has been classified as a Variant of Uncertain Significance.

NM_014588.6(VSX1):c.610C>T (p.Pro204Ser)

Gene: VSX1 (visual system homeobox 1; minus strand). Cytogenetic location: 20p11.21.
Variant type: single nucleotide variant.
Coding change: c.610C>T on transcript NM_014588.6 (MANE Select); coding-DNA position 610, C replaced by T.
Protein change: p.Pro204Ser; replaces proline 204 with serine.
Molecular consequence: missense variant. On other transcripts: non-coding transcript variant (3).
Genome position (GRCh38, 1-based): chr20:25,078,846, G>A on the plus strand (C>T on the coding strand, the complement: VSX1 is on the minus strand). VCF-style: chr20-25078846-G-A. GRCh37 (hg19) VCF-style: chr20-25059482-G-A.
Other names: c.610C>T, p.Pro204Ser (NM_001256271.2, NM_001256272.2, NM_199425.3); short protein forms P204S.
Identifiers: ClinVar variation 3708935 (VCV003708935.2).